The following is an entry in ClinVar:

NM_001005242.3(PKP2):c.1379-1992C>T

Gene: PKP2 (plakophilin 2; minus strand). Cytogenetic location: 12p11.21.
Variant type: single nucleotide variant.
Coding change: c.1379-1992C>T on transcript NM_001005242.3 (MANE Select); 1992 bases into the intron before coding-DNA position 1379, C replaced by T.
Molecular consequence: intron variant. On other transcripts: nonsense (1).
Genome position (GRCh38, 1-based): chr12:32,843,197, G>A on the plus strand (C>T on the coding strand, the complement: PKP2 is on the minus strand). VCF-style: chr12-32843197-G-A. GRCh37 (hg19) VCF-style: chr12-32996131-G-A.
Other names: c.1495C>T, p.Gln499Ter (NM_004572.4); short protein forms Q499*.
Identifiers: ClinVar variation 1068825 (VCV001068825.7), dbSNP rs2137837678, ClinGen allele CA384368580.

ClinVar aggregate classification (germline): Pathogenic (1 of 4 stars; one submission).

Conditions:
Arrhythmogenic right ventricular dysplasia 9 (ARVD9). Also called: Arrhythmogenic Right Ventricular Dysplasia/Cardiomyopathy 9; ARRHYTHMOGENIC RIGHT VENTRICULAR DYSPLASIA, FAMILIAL, 9. Identifiers: MedGen C1836906, MONDO:0012180, OMIM 609040.

Submission:

Labcorp Genetics (formerly Invitae), Labcorp
Classification: Pathogenic for Arrhythmogenic right ventricular dysplasia 9. Last evaluated: 2021-03-22. Review status: criteria provided, single submitter. Criteria: Invitae Variant Classification Sherloc (09022015). Collection method: clinical testing. Allele origin: germline.
Comment: This sequence change creates a premature translational stop signal (p.Gln499*) in the PKP2 gene. It is expected to result in an absent or disrupted protein product. Loss-of-function variants in PKP2 are known to be pathogenic (PMID: 15489853, 23911551). This variant is not present in population databases (ExAC no frequency). This variant has not been reported in the literature in individuals with PKP2-related conditions. For these reasons, this variant has been classified as Pathogenic.

Literature cited by the submitters: PubMed 15489853; PubMed 23911551.